The following is an entry in ClinVar:

NC_000017.11:g.(?_43104848)_(43106553_?)del

Gene: BRCA1 (BRCA1 DNA repair associated; minus strand). Cytogenetic location: 17q21.31.
Variant type: Deletion.
Identifiers: ClinVar variation 650726 (VCV000650726.3).

ClinVar aggregate classification (germline): Pathogenic (1 of 4 stars; one submission).

Conditions:
Hereditary breast ovarian cancer syndrome. Also called: Breast and ovarian cancer; BRCA1- and BRCA2-Associated Hereditary Breast and Ovarian Cancer; Hereditary breast and ovarian cancer; Hereditary breast and ovarian cancer syndrome (HBOC); Hereditary breast and/or ovarian cancer syndrome; Hereditary breast and ovarian cancer syndrome. Identifiers: Orphanet 145, MedGen C0677776, MeSH D061325, MONDO:0003582. Disease mechanism: loss of function.

Submission:

Labcorp Genetics (formerly Invitae), Labcorp
Classification: Pathogenic for Hereditary breast ovarian cancer syndrome. Last evaluated: 2018-10-16. Review status: criteria provided, single submitter. Criteria: Invitae Variant Classification Sherloc (09022015). Collection method: clinical testing. Allele origin: germline.
Comment: For these reasons, this variant has been classified as Pathogenic. Loss-of-function variants in BRCA1 are known to be pathogenic (PMID: 20104584). Similar deletion of exons 4-5 has not been reported in the literature in individuals with BRCA1-related disease. This variant is an out-of-frame deletion of the genomic region encompassing exons 4-5 of the BRCA1 gene. This is expected to create a premature translational stop signal and result in an absent or disrupted protein product.

Literature cited by the submitters: PubMed 20104584.